The following is an entry in ClinVar:

NM_144687.4(NLRP12):c.857C>T (p.Pro286Leu)

Gene: NLRP12 (NLR family pyrin domain containing 12; minus strand). Cytogenetic location: 19q13.42.
Variant type: single nucleotide variant.
Coding change: c.857C>T on transcript NM_144687.4 (MANE Select); coding-DNA position 857, C replaced by T.
Protein change: p.Pro286Leu; replaces proline 286 with leucine.
Molecular consequence: missense variant.
Genome position (GRCh38, 1-based): chr19:53,810,802, G>A on the plus strand (C>T on the coding strand, the complement: NLRP12 is on the minus strand). VCF-style: chr19-53810802-G-A. GRCh37 (hg19) VCF-style: chr19-54314056-G-A.
Other names: c.857C>T, p.Pro286Leu (NM_001277126.2, NM_001277129.1); short protein forms P286L.
Identifiers: ClinVar variation 536927 (VCV000536927.41), dbSNP rs201940393, ClinGen allele CA9639593.

ClinVar aggregate classification (germline): Conflicting classifications of pathogenicity. Review status: criteria provided, conflicting classifications (1 of 4 stars). 7 submissions from 7 submitters: Uncertain significance (5); Likely benign (2). Last evaluated 2026-01-26.

Conditions:
Familial cold autoinflammatory syndrome 2 (FCAS2). Identifiers: Orphanet 247868, MedGen C2673198, MONDO:0012724, OMIM 611762.
Autoinflammatory syndrome. Identifiers: Orphanet 93665, MedGen C3890737, MONDO:0019751.

Allele frequency attached by ClinVar (database versions not stated): ESP Exome Variant Server 0.00008; ExAC 0.00010; gnomAD exomes 0.00016; gnomAD 0.00023 and 0.00024; TOPMed 0.00028.
gnomAD v4.1: 279 of 1,613,994 alleles (0.017%); highest among the groups gnomAD compares: Admixed American, 0.067%; no homozygotes.

Submissions (7):

Women's Health and Genetics/Laboratory Corporation of America, LabCorp
Classification: Likely benign. Last evaluated: 2026-01-26. Review status: criteria provided, single submitter. Criteria: LabCorp Variant Classification Summary - May 2015. Collection method: clinical testing. Allele origin: germline.
Comment: Variant summary: NLRP12 c.857C>T (p.Pro286Leu) results in a non-conservative amino acid change in the encoded protein sequence. Algorithms developed to predict the effect of missense changes on protein structure and function are either unavailable or do not agree on the potential impact of this missense change. The variant allele was found at a frequency of 0.00016 in 251042 control chromosomes (gnomAD). The observed variant frequency exceeds the estimated maximal expected allele frequency for disease-causing variants in NLRP12. c.857C>T has been observed in individuals affected with clinical features of Familial cold autoinflammatory syndrome 2 (Lvy_2021, Yun_2023). These reports do not provide unequivocal conclusions about association of the variant with Familial cold autoinflammatory syndrome 2. To our knowledge, no experimental evidence demonstrating an impact on protein function has been reported. The following publications have been ascertained in the context of this evaluation (PMID: 34725261, 38343435). ClinVar contains an entry for this variant (Variation ID: 536927). Based on the evidence outlined above, the variant was classified as likely benign.

Labcorp Genetics (formerly Invitae), Labcorp
Classification: Uncertain significance for Familial cold autoinflammatory syndrome 2. Last evaluated: 2026-01-12. Review status: criteria provided, single submitter. Criteria: Invitae Variant Classification Sherloc (09022015). Collection method: clinical testing. Allele origin: germline.
Comment: This sequence change replaces proline, which is neutral and non-polar, with leucine, which is neutral and non-polar, at codon 286 of the NLRP12 protein (p.Pro286Leu). This variant is present in population databases (rs201940393, gnomAD 0.04%), and has an allele count higher than expected for a pathogenic variant. This missense change has been observed in individual(s) with clinical features of NLRP12-related conditions (PMID: 34725261, 38343435). ClinVar contains an entry for this variant (Variation ID: 536927). Invitae Evidence Modeling of protein sequence and biophysical properties (such as structural, functional, and spatial information, amino acid conservation, physicochemical variation, residue mobility, and thermodynamic stability) indicates that this missense variant is expected to disrupt NLRP12 protein function with a positive predictive value of 80%. In summary, the available evidence is currently insufficient to determine the role of this variant in disease. Therefore, it has been classified as a Variant of Uncertain Significance.

Blueprint Genetics
Classification: Likely benign. Last evaluated: 2024-10-10. Review status: criteria provided, single submitter. Criteria: ACMG Guidelines, 2015. Collection method: clinical testing. Allele origin: germline.

CeGaT Center for Human Genetics Tuebingen
Classification: Uncertain significance. Last evaluated: 2022-10-01. Review status: criteria provided, single submitter. Criteria: CeGaT Center For Human Genetics Tuebingen Variant Classification Criteria Version 2. Collection method: clinical testing. Allele origin: germline. Affected: yes. Observed: 1 variant allele.

Laboratorio de Genetica e Diagnostico Molecular, Hospital Israelita Albert Einstein
Classification: Uncertain significance for Familial cold autoinflammatory syndrome 2. Last evaluated: 2022-07-13. Review status: criteria provided, single submitter. Criteria: ACMG Guidelines, 2015. Collection method: clinical testing. Allele origin: germline. Affected: yes. Observed: 1 variant allele.
Comment: ACMG classification criteria: BP4 supporting

Center for Genomics, Ann and Robert H. Lurie Children's Hospital of Chicago
Classification: Uncertain significance for Familial cold autoinflammatory syndrome 2. Last evaluated: 2021-03-30. Review status: criteria provided, single submitter. Criteria: ACMG Guidelines, 2015. Collection method: clinical testing. Allele origin: germline.
Comment: NLRP12 NM_144687.3 exon3 p.Pro286Leu (c.857C>T): This variant has not been reported in the literature but is present in 0.04% (16/35418) of Latino alleles in the Genome Aggregation Database. This variant is present in ClinVar (Variation ID:536927). Evolutionary conservation and computational predictive tools for this variant are unclear. In summary, data on this variant is insufficient for disease classification. Therefore, the clinical significance of this variant is uncertain.

Genome Diagnostics Laboratory, The Hospital for Sick Children
Classification: Uncertain significance for Autoinflammatory syndrome. Last evaluated: 2016-12-12. Review status: criteria provided, single submitter. Criteria: ACMG Guidelines, 2015. Collection method: clinical testing. Allele origin: germline. Affected: yes.

Literature cited by the submitters: PubMed 38343435 (cited by Women's Health and Genetics/Laboratory Corporation of America, LabCorp and Labcorp Genetics (formerly Invitae), Labcorp); PubMed 34725261 (cited by Women's Health and Genetics/Laboratory Corporation of America, LabCorp and Labcorp Genetics (formerly Invitae), Labcorp).